The following is an entry in ClinVar:

NM_001035.3(RYR2):c.1644_1645del (p.Ala549fs)

Gene: RYR2 (ryanodine receptor 2; plus strand). Cytogenetic location: 1q43.
Variant type: Microsatellite.
Coding change: c.1644_1645del on transcript NM_001035.3 (MANE Select); coding-DNA positions 1644 to 1645, 2 bases deleted (TG; older notation c.1644_1645delTG).
Protein change: p.Ala549fs; shifts the reading frame from alanine 549.
Molecular consequence: frameshift variant.
Genome position (GRCh38, 1-based): chr1:237,469,123-237,469,124, TG deleted; deleting any 2 consecutive bases within chr1:237,469,121-237,469,124 gives the same sequence; the c. name uses the placement nearest the transcript's 3' end. VCF-style (leftmost placement, unchanged base first): chr1-237469120-CTG-C. GRCh37 (hg19) VCF-style: chr1-237632420-CTG-C.
Other names: short protein forms A549fs.
Identifiers: ClinVar variation 3075637 (VCV003075637.1), dbSNP rs1294114732, ClinGen allele CA2825000927.
Genomic context (GRCh38, chr1:237,469,120, plus strand): 5'-CATAAAGGTGAAATCTATTTCTTCTTTTGCAGCGGCTCTAATTAGAGGAAATCGTAAAAA[CTG>C]TGCTCAATTTTCTGGCTCCCTCGACTGGTTGATCAGCAGATTGGAAAGACTGGAAGCTTC-3'

ClinVar aggregate classification (germline): Uncertain significance (1 of 4 stars; one submission).

Conditions:
Catecholaminergic polymorphic ventricular tachycardia (CVPT). Also called: Catecholamine-induced polymorphic ventricular tachycardia. Identifiers: Orphanet 3286, MedGen C5574922, MONDO:0017990.

Submission:

All of Us Research Program, National Institutes of Health
Classification: Uncertain significance for Catecholaminergic polymorphic ventricular tachycardia. Last evaluated: 2023-07-13. Review status: criteria provided, single submitter. Criteria: ACMG Guidelines, 2015. Collection method: clinical testing. Allele origin: germline. Inheritance: Autosomal dominant inheritance. Observed: 1 variant allele, 1 heterozygote.
Comment: This variant deletes 2 nucleotides in exon 17 of the RYR2 gene, creating a frameshift and premature translation stop signal. This variant is expected to result in an absent or non-functional protein product. To our knowledge, this variant has not been reported in individuals affected with cardiovascular disorders in the literature. This variant has not been identified in the general population by the Genome Aggregation Database (gnomAD). The role of loss-of-function RYR2 truncation variants in cardiovascular disorders is not clearly understood. The available evidence is insufficient to determine the role of this variant in disease conclusively. Therefore, this variant is classified as a Variant of Uncertain Significance.

This study involves interpretation of variants in research participants for the purpose of population health screening. Participant phenotype was not available at the time of variant classification. Additional details can be found in publication PMID: 35346344, PMCID: PMC8962531